The following is an entry in ClinVar:

ClinVar aggregate classification (germline): Likely pathogenic (1 of 4 stars; one submission).

Conditions:
LAMA2-related muscular dystrophy (LAMA2-RD). Also called: Laminin alpha 2-related dystrophy. Identifiers: MedGen C5679788, MONDO:0100228.

gnomAD v4.1: 1 of 1,600,558 alleles (0.000062%); highest among the groups gnomAD compares: Non-Finnish European, 0.000086%; no homozygotes.

Submission:

Labcorp Genetics (formerly Invitae), Labcorp
Classification: Likely pathogenic for LAMA2-related muscular dystrophy. Last evaluated: 2023-08-19. Review status: criteria provided, single submitter. Criteria: Invitae Variant Classification Sherloc (09022015). Collection method: clinical testing. Allele origin: germline.
Comment: In summary, the currently available evidence indicates that the variant is pathogenic, but additional data are needed to prove that conclusively. Therefore, this variant has been classified as Likely Pathogenic. Algorithms developed to predict the effect of sequence changes on RNA splicing suggest that this variant may disrupt the consensus splice site. This sequence change affects a donor splice site in intron 20 of the LAMA2 gene. It is expected to disrupt RNA splicing. Variants that disrupt the donor or acceptor splice site typically lead to a loss of protein function (PMID: 16199547), and loss-of-function variants in LAMA2 are known to be pathogenic (PMID: 18700894, 32904964). This variant is not present in population databases (gnomAD no frequency). This variant has not been reported in the literature in individuals affected with LAMA2-related conditions.

Literature cited by the submitters: PubMed 16199547; PubMed 18700894; PubMed 32904964.

NM_000426.4(LAMA2):c.2856+1G>A

Gene: LAMA2 (laminin subunit alpha 2; plus strand). Cytogenetic location: 6q22.33.
Variant type: single nucleotide variant.
Coding change: c.2856+1G>A on transcript NM_000426.4 (MANE Select); the canonical splice donor site of the intron after coding-DNA position 2856, G replaced by A.
Molecular consequence: splice donor variant.
Genome position (GRCh38, 1-based): chr6:129,291,721, G>A. VCF-style: chr6-129291721-G-A. GRCh37 (hg19) VCF-style: chr6-129612866-G-A.
Other names: c.2856+1G>A (NM_001079823.2).
Identifiers: ClinVar variation 2754019 (VCV002754019.3), dbSNP rs2482308831, ClinGen allele CA365610897.
Genomic context (GRCh38, chr6:129,291,721, plus strand): 5'-CAAACTGGACAGTGTGAGTGCAGAGCCAACGTTCAGGGTCAGAGATGTGACAAATGCAAG[G>A]TAAGGAGTAGAGGCTGACCCATAAATTACTTTCTCCTTACAGATTTTCACTGGCTTTTCA-3'